The following is an entry in ClinVar:

NM_012062.5(DNM1L):c.373G>T (p.Val125Leu)

Gene: DNM1L (dynamin 1L; plus strand). Cytogenetic location: 12p11.21.
Variant type: single nucleotide variant.
Coding change: c.373G>T on transcript NM_012062.5 (MANE Select); coding-DNA position 373, G replaced by T.
Protein change: p.Val125Leu; replaces valine 125 with leucine.
Molecular consequence: missense variant. On other transcripts: intron variant (1).
Genome position (GRCh38, 1-based): chr12:32,710,932, G>T. VCF-style: chr12-32710932-G-T. GRCh37 (hg19) VCF-style: chr12-32863866-G-T.
Other names: c.373G>T, p.Val125Leu (NM_001278463.2, NM_005690.5, NM_012063.4); c.412G>T, p.Val138Leu (NM_001278464.2, NM_001278465.2, NM_001330380.2); c.131+3519G>T (NM_001278466.2); short protein forms V125L, V138L.
Identifiers: ClinVar variation 5005096 (VCV005005096.2).

ClinVar aggregate classification (germline): Uncertain significance (1 of 4 stars; one submission).

Conditions:
Encephalopathy, lethal, due to defective mitochondrial peroxisomal fission 1. Also called: Lethal Encephalopathy Due To Defective Mitochondrial Peroxisomal Fission. Identifiers: Orphanet 330050, MedGen C3280660, MONDO:0013726, OMIM 614388.
Optic atrophy 5 (OPA5). Identifiers: Orphanet 98673, MedGen C1853139, MONDO:0012543, OMIM 610708.

Submission:

Juno Genomics, Hangzhou Juno Genomics, Inc
Classification: Uncertain significance for Encephalopathy, lethal, due to defective mitochondrial peroxisomal fission 1; Optic atrophy 5. Review status: criteria provided, single submitter. Criteria: ACMG Guidelines, 2015. Collection method: clinical testing. Allele origin: germline.
Comment: Absent from controls (or at extremely low frequency if recessive) in Genome Aggregation Database.;Missense variant in a gene that has a low rate of benign missense variation.;Located in a mutational hot spot and/or critical and well-established functional domain without benign variation.